The following is an entry in ClinVar:

ClinVar aggregate classification (germline): Uncertain significance. Review status: criteria provided, multiple submitters, no conflicts (2 of 4 stars). 4 submissions from 4 submitters: Uncertain significance (3). 1 of the submissions does not count toward it. Last evaluated 2025-04-14.

Conditions:
Familial dysautonomia. Also called: HSAN III; FD. Identifiers: Orphanet 1764, MedGen C0013364, MONDO:0009131, OMIM 223900. Disease mechanism: loss of function.

Allele frequency attached by ClinVar (database versions not stated): gnomAD 0.00001; ExAC 0.00002; gnomAD exomes 0.00002; TOPMed 0.00003.
gnomAD v4.1: 27 of 1,613,818 alleles (0.0017%); highest among the groups gnomAD compares: South Asian, 0.0088%; no homozygotes.

Submissions (4):

Labcorp Genetics (formerly Invitae), Labcorp
Classification: Uncertain significance. Last evaluated: 2025-04-14. Review status: criteria provided, single submitter. Criteria: Invitae Variant Classification Sherloc (09022015). Collection method: clinical testing. Allele origin: germline.
Comment: This sequence change replaces arginine, which is basic and polar, with glutamine, which is neutral and polar, at codon 219 of the ELP1 protein (p.Arg219Gln). This variant is present in population databases (rs749382362, gnomAD 0.006%). This variant has not been reported in the literature in individuals affected with ELP1-related conditions. ClinVar contains an entry for this variant (Variation ID: 967668). Invitae Evidence Modeling of protein sequence and biophysical properties (such as structural, functional, and spatial information, amino acid conservation, physicochemical variation, residue mobility, and thermodynamic stability) indicates that this missense variant is expected to disrupt ELP1 protein function with a positive predictive value of 80%. In summary, the available evidence is currently insufficient to determine the role of this variant in disease. Therefore, it has been classified as a Variant of Uncertain Significance.

Ambry Genetics
Classification: Uncertain significance. Last evaluated: 2021-10-06. Review status: criteria provided, single submitter. Criteria: Ambry Variant Classification Scheme 2023. Collection method: clinical testing. Allele origin: germline.
Comment: The p.R219Q variant (also known as c.656G>A), located in coding exon 7 of the IKBKAP gene, results from a G to A substitution at nucleotide position 656. The arginine at codon 219 is replaced by glutamine, an amino acid with highly similar properties. This amino acid position is conserved. In addition, this alteration is predicted to be deleterious by in silico analysis. Since supporting evidence is limited at this time, the clinical significance of this alteration remains unclear.

Genome-Nilou Lab
Classification: Uncertain significance for Familial dysautonomia. Last evaluated: 2021-07-14. Review status: criteria provided, single submitter. Criteria: ACMG Guidelines, 2015. Collection method: clinical testing. Allele origin: germline. Affected: no.

Natera, Inc.
Classification: Uncertain significance for Familial dysautonomia. Last evaluated: 2020-04-21. Review status: no assertion criteria provided. Collection method: clinical testing. Allele origin: germline. Not counted in ClinVar's aggregate classification.

NM_003640.5(ELP1):c.656G>A (p.Arg219Gln)

Gene: ELP1 (elongator acetyltransferase complex subunit 1; minus strand). Cytogenetic location: 9q31.3.
Variant type: single nucleotide variant.
Coding change: c.656G>A on transcript NM_003640.5 (MANE Select); coding-DNA position 656, G replaced by A.
Protein change: p.Arg219Gln; replaces arginine 219 with glutamine.
Molecular consequence: missense variant. On other transcripts: intron variant (1).
Genome position (GRCh38, 1-based): chr9:108,918,895, C>T on the plus strand (G>A on the coding strand, the complement: ELP1 is on the minus strand). VCF-style: chr9-108918895-C-T. GRCh37 (hg19) VCF-style: chr9-111681175-C-T.
Other names: c.314G>A, p.Arg105Gln (NM_001318360.2); c.-307-1225G>A (NM_001330749.2); short protein forms R105Q, R219Q.
Identifiers: ClinVar variation 967668 (VCV000967668.15), dbSNP rs749382362, ClinGen allele CA5175270.
Genomic context (GRCh38, chr9:108,918,895, plus strand): 5'-CCTGCCACAGGCTCACTGGTTGACTGCAAAGCAAACTCTCGGTTCCACACTCTGACCTTC[C>T]GAGCCCCTGTGCGGGAGTGGAGTCAAACACACATACACACTTAAAACATTATGATAAAAG-3'
Protein context (NP_003631.2, residues 209-229): VSVVCPETGA[Arg219Gln]KVRVWNREFA